The following is an entry in ClinVar:

ClinVar aggregate classification (germline): Uncertain significance. Review status: criteria provided, multiple submitters, no conflicts (2 of 4 stars). 2 submissions from 2 submitters: Uncertain significance (2). Last evaluated 2024-11-16.

Conditions:
Inborn genetic diseases. Identifiers: MedGen C0950123, MeSH D030342.
Autosomal dominant Parkinson disease 8. Also called: LRRK2-Related Parkinson Disease; Parkinson disease 8; Parkinson disease 8, susceptibility to. Identifiers: Orphanet 411602, MedGen C1846862, MONDO:0011764, OMIM 607060.

Allele frequency attached by ClinVar (database versions not stated): gnomAD exomes below 0.00001.
gnomAD v4.1: 1 of 1,613,728 alleles (0.000062%); highest among the groups gnomAD compares: East Asian, 0.0022%; no homozygotes.

Submissions (2):

Ambry Genetics
Classification: Uncertain significance for Inborn genetic diseases. Last evaluated: 2024-11-16. Review status: criteria provided, single submitter. Criteria: Ambry Variant Classification Scheme 2023. Collection method: clinical testing. Allele origin: germline.
Comment: The p.V1781A variant (also known as c.5342T>C), located in coding exon 37 of the LRRK2 gene, results from a T to C substitution at nucleotide position 5342. The valine at codon 1781 is replaced by alanine, an amino acid with similar properties. This amino acid position is conserved. In addition, this alteration is predicted to be deleterious by in silico analysis. Since supporting evidence is limited at this time, the clinical significance of this alteration remains unclear.

Labcorp Genetics (formerly Invitae), Labcorp
Classification: Uncertain significance for Autosomal dominant Parkinson disease 8. Last evaluated: 2024-08-31. Review status: criteria provided, single submitter. Criteria: Invitae Variant Classification Sherloc (09022015). Collection method: clinical testing. Allele origin: germline.
Comment: This sequence change replaces valine, which is neutral and non-polar, with alanine, which is neutral and non-polar, at codon 1781 of the LRRK2 protein (p.Val1781Ala). This variant is present in population databases (no rsID available, gnomAD 0.006%). This variant has not been reported in the literature in individuals affected with LRRK2-related conditions. ClinVar contains an entry for this variant (Variation ID: 1746944). Invitae Evidence Modeling of protein sequence and biophysical properties (such as structural, functional, and spatial information, amino acid conservation, physicochemical variation, residue mobility, and thermodynamic stability) has been performed for this missense variant. However, the output from this modeling did not meet the statistical confidence thresholds required to predict the impact of this variant on LRRK2 protein function. In summary, the available evidence is currently insufficient to determine the role of this variant in disease. Therefore, it has been classified as a Variant of Uncertain Significance.

NM_198578.4(LRRK2):c.5342T>C (p.Val1781Ala)

Gene: LRRK2 (leucine rich repeat kinase 2; plus strand). Cytogenetic location: 12q12.
Variant type: single nucleotide variant.
Coding change: c.5342T>C on transcript NM_198578.4 (MANE Select); coding-DNA position 5342, T replaced by C.
Protein change: p.Val1781Ala; replaces valine 1781 with alanine.
Molecular consequence: missense variant.
Genome position (GRCh38, 1-based): chr12:40,322,343, T>C. VCF-style: chr12-40322343-T-C. GRCh37 (hg19) VCF-style: chr12-40716145-T-C.
Other names: short protein forms V1781A.
Identifiers: ClinVar variation 1746944 (VCV001746944.5), dbSNP rs1385360473, ClinGen allele CA384420545.